The following is an entry in ClinVar:

NM_006206.6(PDGFRA):c.1460G>T (p.Arg487Leu)

Gene: PDGFRA (platelet derived growth factor receptor alpha; plus strand). Cytogenetic location: 4q12.
Variant type: single nucleotide variant.
Coding change: c.1460G>T on transcript NM_006206.6 (MANE Select); coding-DNA position 1460, G replaced by T.
Protein change: p.Arg487Leu; replaces arginine 487 with leucine.
Molecular consequence: missense variant.
Genome position (GRCh38, 1-based): chr4:54,273,632, G>T. VCF-style: chr4-54273632-G-T. GRCh37 (hg19) VCF-style: chr4-55139799-G-T.
Other names: c.1460G>T, p.Arg487Leu (NM_001347827.2, NM_001347829.2); c.1535G>T, p.Arg512Leu (NM_001347828.2); c.1499G>T, p.Arg500Leu (NM_001347830.2); short protein forms R487L, R500L, R512L.
Identifiers: ClinVar variation 2007396 (VCV002007396.4), dbSNP rs764214258, ClinGen allele CA356892612.

ClinVar aggregate classification (germline): Uncertain significance (1 of 4 stars; one submission).

Conditions:
Gastrointestinal stromal tumor. Also called: Gastrointestinal stroma tumor; Gastrointestinal stromal tumor, somatic. Identifiers: Orphanet 44890, MedGen C0238198, MeSH D046152, MONDO:0011719, OMIM 606764, HP:0100723.

Submission:

Labcorp Genetics (formerly Invitae), Labcorp
Classification: Uncertain significance for Gastrointestinal stromal tumor. Last evaluated: 2022-06-16. Review status: criteria provided, single submitter. Criteria: Invitae Variant Classification Sherloc (09022015). Collection method: clinical testing. Allele origin: germline.
Comment: In summary, the available evidence is currently insufficient to determine the role of this variant in disease. Therefore, it has been classified as a Variant of Uncertain Significance. Algorithms developed to predict the effect of missense changes on protein structure and function output the following: SIFT: "Tolerated"; PolyPhen-2: "Benign"; Align-GVGD: "Class C0". The leucine amino acid residue is found in multiple mammalian species, which suggests that this missense change does not adversely affect protein function. This variant has not been reported in the literature in individuals affected with PDGFRA-related conditions. This variant is not present in population databases (gnomAD no frequency). This sequence change replaces arginine, which is basic and polar, with leucine, which is neutral and non-polar, at codon 487 of the PDGFRA protein (p.Arg487Leu).